The following is an entry in ClinVar:

NM_001267550.2(TTN):c.104484A>T (p.Glu34828Asp)

Genes: TTN (titin; minus strand), TTN-AS1 (TTN antisense RNA 1; plus strand). Cytogenetic location: 2q31.2.
Variant type: single nucleotide variant.
Coding change: c.104484A>T on transcript NM_001267550.2 (MANE Select); coding-DNA position 104484, A replaced by T.
Protein change: p.Glu34828Asp; replaces glutamic acid 34828 with aspartic acid.
Molecular consequence: missense variant.
Genome position (GRCh38, 1-based): chr2:178,532,131, T>A on the plus strand (A>T on the coding strand, the complement: TTN is on the minus strand). VCF-style: chr2-178532131-T-A. GRCh37 (hg19) VCF-style: chr2-179396858-T-A.
Other names: c.99561A>T, p.Glu33187Asp (NM_001256850.1); c.77289A>T, p.Glu25763Asp (NM_003319.4); c.96780A>T, p.Glu32260Asp (NM_133378.4); c.77664A>T, p.Glu25888Asp (NM_133432.3); c.77865A>T, p.Glu25955Asp (NM_133437.4); short protein forms E25763D, E25888D, E25955D, E32260D, E33187D, E34828D.
Identifiers: ClinVar variation 3749675 (VCV003749675.2).

ClinVar aggregate classification (germline): Uncertain significance (1 of 4 stars; one submission).

Conditions:
Dilated cardiomyopathy 1G (CMD1G). Identifiers: Orphanet 154, MedGen C1858763, MONDO:0011400, OMIM 604145.
Autosomal recessive limb-girdle muscular dystrophy type 2J (LGMDR10). Also called: Limb-girdle muscular dystrophy, type 2J; MUSCULAR DYSTROPHY, LIMB-GIRDLE, AUTOSOMAL RECESSIVE 10. Identifiers: Orphanet 140922, MedGen C1837342, MONDO:0012127, OMIM 608807.

Submission:

Labcorp Genetics (formerly Invitae), Labcorp
Classification: Uncertain significance for Dilated cardiomyopathy 1G; Autosomal recessive limb-girdle muscular dystrophy type 2J. Last evaluated: 2025-01-22. Review status: criteria provided, single submitter. Criteria: Invitae Variant Classification Sherloc (09022015). Collection method: clinical testing. Allele origin: germline.
Comment: This sequence change replaces glutamic acid, which is acidic and polar, with aspartic acid, which is acidic and polar, at codon 34828 of the TTN protein (p.Glu34828Asp). This variant is present in population databases (rs776753981, gnomAD 0.007%). This variant has not been reported in the literature in individuals affected with TTN-related conditions. An algorithm developed to predict the effect of missense changes on protein structure and function outputs the following: PolyPhen-2: "Not Available". The aspartic acid amino acid residue is found in multiple mammalian species, which suggests that this missense change does not adversely affect protein function. This variant is located in the M band of TTN (PMID: 25589632). Non-truncating variants in this region may be relevant for neuromuscular disorders, but have not been definitively shown to cause cardiomyopathy (PMID: 23975875). In summary, the available evidence is currently insufficient to determine the role of this variant in disease. Therefore, it has been classified as a Variant of Uncertain Significance.

Literature cited by the submitters: PubMed 25589632; PubMed 23975875.